The following is an entry in ClinVar:

ClinVar aggregate classification (germline): Uncertain significance (1 of 4 stars; one submission).

Conditions:
Hereditary cancer-predisposing syndrome. Also called: Hereditary neoplastic syndrome; Neoplastic Syndromes, Hereditary; Tumor predisposition; Hereditary Cancer Syndrome. Identifiers: Orphanet 140162, MedGen C0027672, MeSH D009386, MONDO:0015356.

Submission:

Ambry Genetics
Classification: Uncertain significance for Hereditary cancer-predisposing syndrome. Last evaluated: 2025-08-27. Review status: criteria provided, single submitter. Criteria: Ambry Variant Classification Scheme 2023. Collection method: clinical testing. Allele origin: germline.
Comment: The p.S322C variant (also known as c.964A>T), located in coding exon 11 of the MUTYH gene, results from an A to T substitution at nucleotide position 964. The serine at codon 322 is replaced by cysteine, an amino acid with dissimilar properties. This amino acid position is conserved. In addition, this alteration is predicted to be tolerated by in silico analysis. Based on the available evidence, the clinical significance of this variant remains unclear.

NM_001048174.2(MUTYH):c.880A>T (p.Ser294Cys)

Gene: MUTYH (mutY DNA glycosylase; minus strand). Cytogenetic location: 1p34.1.
Variant type: single nucleotide variant.
Coding change: c.880A>T on transcript NM_001048174.2 (MANE Select); coding-DNA position 880, A replaced by T.
Protein change: p.Ser294Cys; replaces serine 294 with cysteine.
Molecular consequence: missense variant. On other transcripts: non-coding transcript variant (7).
Genome position (GRCh38, 1-based): chr1:45,332,056, T>A on the plus strand (A>T on the coding strand, the complement: MUTYH is on the minus strand). VCF-style: chr1-45332056-T-A. GRCh37 (hg19) VCF-style: chr1-45797728-T-A.
Other names: c.883A>T, p.Ser295Cys (NM_001407078.1, NM_001407086.1, NM_001407071.1 and 1 more transcripts); c.841A>T, p.Ser281Cys (NM_001407079.1); c.838A>T, p.Ser280Cys (NM_001407080.1); c.880A>T, p.Ser294Cys (NM_001407081.1, NM_001407088.1, NM_001407089.1 and 6 more transcripts); c.535A>T, p.Ser179Cys (NM_001407082.1, NM_001350650.2, NM_001350651.2); c.922A>T, p.Ser308Cys (NM_001407083.1, NM_001407085.1); c.901A>T, p.Ser301Cys (NM_001407087.1); c.604A>T, p.Ser202Cys (NM_001407091.1, NM_001293196.2, NM_001293192.2); and 5 more; short protein forms S308C, S309C, S305C, S322C, S179C, S281C, S294C, S202C.
Identifiers: ClinVar variation 4113962 (VCV004113962.1).